The following is an entry in ClinVar:

NM_005343.4(HRAS):c.45C>T (p.Gly15=)

Genes: HRAS (HRas proto-oncogene, GTPase; minus strand), LRRC56 (leucine rich repeat containing 56; plus strand). Cytogenetic location: 11p15.5.
Variant type: single nucleotide variant.
Coding change: c.45C>T on transcript NM_005343.4 (MANE Select); coding-DNA position 45, C replaced by T.
Protein change: p.Gly15=; no amino-acid change (glycine 15 retained).
Molecular consequence: synonymous variant. On other transcripts: 5 prime UTR variant (1).
Genome position (GRCh38, 1-based): chr11:534,278, G>A on the plus strand (C>T on the coding strand, the complement: HRAS is on the minus strand). VCF-style: chr11-534278-G-A. GRCh37 (hg19) VCF-style: chr11-534278-G-A.
Other names: c.45C>T, p.Gly15= (NM_001130442.3, NM_176795.5); c.-275C>T (NM_001318054.2); c.45C>T (NM_005343.3).
Identifiers: ClinVar variation 179085 (VCV000179085.16), dbSNP rs727504614, ClinGen allele CA183700.
Genomic context (GRCh38, chr11:534,278, plus strand): 5'-AGTGGGGTCGTATTCGTCCACAAAATGGTTCTGGATCAGCTGGATGGTCAGCGCACTCTT[G>A]CCCACACCGCCGGCGCCCACCACCACCAGCTTATATTCCGTCATCGCTCCTCAGGGGCCT-3'
Protein context (NP_005334.1, residues 5-25): KLVVVGAGGV[Gly15=]KSALTIQLIQ

ClinVar aggregate classification (germline): Conflicting classifications of pathogenicity. Review status: criteria provided, conflicting classifications (1 of 4 stars). 5 submissions from 5 submitters: Uncertain significance (1); Likely benign (3). 1 of the submissions does not count toward it. Last evaluated 2025-10-26.

Conditions:
HRAS-related disorder. Also called: HRAS-related condition.
Hereditary cancer-predisposing syndrome. Also called: Neoplastic Syndromes, Hereditary; Hereditary Cancer Syndrome; Tumor predisposition; Hereditary neoplastic syndrome. Identifiers: Orphanet 140162, MedGen C0027672, MeSH D009386, MONDO:0015356.
Costello syndrome (CSTLO). Also called: HRAS-Related Costello Syndrome; FACIOCUTANEOSKELETAL SYNDROME; FCS SYNDROME. Identifiers: Orphanet 3071, MedGen C0587248, MONDO:0009026, OMIM 218040.

Allele frequency attached by ClinVar (database versions not stated): gnomAD exomes 0.00001 and 0.00003; TOPMed 0.00001; gnomAD 0.00002.
gnomAD v4.1: 45 of 1,613,268 alleles (0.0028%); highest among the groups gnomAD compares: Non-Finnish European, 0.0034%; no homozygotes.

Submissions (5):

Labcorp Genetics (formerly Invitae), Labcorp
Classification: Likely benign for Costello syndrome. Last evaluated: 2025-10-26. Review status: criteria provided, single submitter. Criteria: Invitae Variant Classification Sherloc (09022015). Collection method: clinical testing. Allele origin: germline.

Sema4
Classification: Uncertain significance for Hereditary cancer-predisposing syndrome. Last evaluated: 2022-03-16. Review status: criteria provided, single submitter. Criteria: Sema4 Curation Guidelines. Collection method: curation. Allele origin: germline.
Comment: The HRAS c.45C>T (p.G15=) variant has not been reported in the literature to our knowledge. This variant was observed in 1/16152 chromosomes in the African/African American population according to the Genome Aggregation Database (PMID: 32461654). This variant has been reported in ClinVar (Variation ID: 179085). In silico tools suggest that this variant may impact splicing, though these predictions have not been confirmed by functional studies. The evidence is insufficient to meet ACMG/AMP criteria for classifying the variant as benign or pathogenic. Thus, the clinical significance of this variant is currently uncertain.

Women's Health and Genetics/Laboratory Corporation of America, LabCorp
Classification: Likely benign. Last evaluated: 2017-04-03. Review status: criteria provided, single submitter. Criteria: LabCorp Variant Classification Summary - May 2015. Collection method: clinical testing. Allele origin: germline.
Comment: Variant summary: The HRAS c.45C>T (p.Gly15Gly) variant involves the alteration of a non-conserved nucleotide, resulting in a synonymous change. Mutation Taster predicts a damaging outcome for this variant. 4/5 splice prediction tools via Alamut predict the variant to create a cryptic splice donor site, however these predictions have not been confirmed by functional studies. This variant is absent in 120088 control chromosomes from ExAC, however, it could still be a rare polymorphism. This is supported by its presence in a new database gnomAD at an allele frequency of 0.00001221 (3/245708 chromosomes). The variant of interest has not, to our knowledge, been reported in affected individuals via publications, nor evaluated for functional impact by in vivo/vitro studies. One clinical diagnostic laboratory has classified this variant as likely benign, citing the variant being present in their lab in an unaffected parent of a proband. Taken together, this variant is classified as Likely Benign.

Laboratory for Molecular Medicine, Mass General Brigham Personalized Medicine
Classification: Likely benign. Last evaluated: 2013-06-04. Review status: criteria provided, single submitter. Criteria: LMM Criteria. Collection method: clinical testing. Allele origin: germline. Observed: 2 variant alleles.
Comment: Gly15Gly in exon 2 of HRAS: This variant has not been previously described in th e literature and has not been identified in large population studies. However, t his variant is not expected to have clinical significance because it does not al ter an amino acid residue. In summary, the Gly15Gly variant is likely benign.

PreventionGenetics, part of Exact Sciences
Classification: Likely benign for HRAS-related condition. Last evaluated: 2020-02-18. Review status: no assertion criteria provided. Collection method: clinical testing. Allele origin: germline. Not counted in ClinVar's aggregate classification.
Comment: This variant is classified as likely benign based on ACMG/AMP sequence variant interpretation guidelines (Richards et al. 2015 PMID: 25741868, with internal and published modifications).